The following is an entry in ClinVar:

NM_005592.4(MUSK):c.872A>G (p.Lys291Arg)

Gene: MUSK (muscle associated receptor tyrosine kinase; plus strand). Cytogenetic location: 9q31.3.
Variant type: single nucleotide variant.
Coding change: c.872A>G on transcript NM_005592.4 (MANE Select); coding-DNA position 872, A replaced by G.
Protein change: p.Lys291Arg; replaces lysine 291 with arginine.
Molecular consequence: missense variant. On other transcripts: 5 prime UTR variant (1).
Genome position (GRCh38, 1-based): chr9:110,747,759, A>G. VCF-style: chr9-110747759-A-G. GRCh37 (hg19) VCF-style: chr9-113510039-A-G.
Other names: c.902A>G, p.Lys301Arg (NM_001166280.2); c.872A>G, p.Lys291Arg (NM_001166281.2); c.-365A>G (NM_001369398.1); short protein forms K291R, K301R.
Identifiers: ClinVar variation 849733 (VCV000849733.1), dbSNP rs752641780, ClinGen allele CA5184200.

ClinVar aggregate classification (germline): Uncertain significance (1 of 4 stars; one submission).

Conditions:
Congenital myasthenic syndrome 9. Also called: Myasthenic syndrome, congenital, 9, associated with acetylcholine receptor deficiency. Identifiers: Orphanet 590, MedGen C4225368, MONDO:0014587, OMIM 616325.
Fetal akinesia deformation sequence 1 (FADS1). Also called: Pena-Shokeir syndrome type I; Fetal akinesia sequence. Identifiers: Orphanet 994, MedGen C1276035, MONDO:0100101, OMIM 208150, HP:0001989.

Allele frequency attached by ClinVar (database versions not stated): gnomAD exomes below 0.00001 and 0.00001; TOPMed below 0.00001; ExAC 0.00001; gnomAD 0.00001.
gnomAD v4.1: 4 of 1,613,772 alleles (0.00025%); highest among the groups gnomAD compares: East Asian, 0.0089%; no homozygotes.

Submission:

Labcorp Genetics (formerly Invitae), Labcorp
Classification: Uncertain significance for Myasthenic syndrome, congenital, 9, associated with acetylcholine receptor deficiency; Pena-Shokeir syndrome type I. Last evaluated: 2019-12-03. Review status: criteria provided, single submitter. Criteria: Invitae Variant Classification Sherloc (09022015). Collection method: clinical testing. Allele origin: germline.
Comment: This sequence change replaces lysine with arginine at codon 291 of the MUSK protein (p.Lys291Arg). The lysine residue is highly conserved and there is a small physicochemical difference between lysine and arginine. This variant is present in population databases (rs752641780, ExAC 0.01%). This variant has not been reported in the literature in individuals with MUSK-related conditions. Algorithms developed to predict the effect of missense changes on protein structure and function (SIFT, PolyPhen-2, Align-GVGD) all suggest that this variant is likely to be tolerated, but these predictions have not been confirmed by published functional studies and their clinical significance is uncertain. In summary, the available evidence is currently insufficient to determine the role of this variant in disease. Therefore, it has been classified as a Variant of Uncertain Significance.